The following is an entry in ClinVar:

ClinVar aggregate classification (germline): Uncertain significance (1 of 4 stars; one submission).

Conditions:
Neuropathy, hereditary sensory, type 2C. Also called: KIF1A-Related HSAN2 (HSAN2C); Hereditary sensory and autonomic neuropathy type IIC. Identifiers: Orphanet 970, MedGen C3280168, MONDO:0013634, OMIM 614213.
Hereditary spastic paraplegia 30. Identifiers: Orphanet 101010, MedGen C5235139, MONDO:0012476.
Intellectual disability, autosomal dominant 9 (NESCAVS). Also called: NESCAV SYNDROME; KIF1A-Related Neurodevelopmental Disorder. Identifiers: Orphanet 662367, MedGen C5393830, MONDO:0013656, OMIM 614255.

Allele frequency attached by ClinVar (database versions not stated): gnomAD exomes below 0.00001; TOPMed 0.00001.
gnomAD v4.1: 1 of 1,605,766 alleles (0.000062%); highest among the groups gnomAD compares: African/African-American, 0.0013%; no homozygotes.

Submission:

Labcorp Genetics (formerly Invitae), Labcorp
Classification: Uncertain significance for Hereditary spastic paraplegia 30; Neuropathy, hereditary sensory, type 2C; Intellectual disability, autosomal dominant 9. Last evaluated: 2023-03-26. Review status: criteria provided, single submitter. Criteria: Invitae Variant Classification Sherloc (09022015). Collection method: clinical testing. Allele origin: germline.
Comment: This sequence change replaces alanine, which is neutral and non-polar, with serine, which is neutral and polar, at codon 1476 of the KIF1A protein (p.Ala1476Ser). In summary, the available evidence is currently insufficient to determine the role of this variant in disease. Therefore, it has been classified as a Variant of Uncertain Significance. Advanced modeling of protein sequence and biophysical properties (such as structural, functional, and spatial information, amino acid conservation, physicochemical variation, residue mobility, and thermodynamic stability) performed at Invitae indicates that this missense variant is not expected to disrupt KIF1A protein function. This variant has not been reported in the literature in individuals affected with KIF1A-related conditions. This variant is not present in population databases (gnomAD no frequency).

NM_001244008.2(KIF1A):c.4729G>T (p.Ala1577Ser)

Gene: KIF1A (kinesin family member 1A; minus strand). Cytogenetic location: 2q37.3.
Variant type: single nucleotide variant.
Coding change: c.4729G>T on transcript NM_001244008.2 (MANE Select); coding-DNA position 4729, G replaced by T.
Protein change: p.Ala1577Ser; replaces alanine 1577 with serine.
Molecular consequence: missense variant.
Genome position (GRCh38, 1-based): chr2:240,721,821, C>A on the plus strand (G>T on the coding strand, the complement: KIF1A is on the minus strand). VCF-style: chr2-240721821-C-A. GRCh37 (hg19) VCF-style: chr2-241661238-C-A.
Other names: c.4453G>T, p.Ala1485Ser (NM_001320705.2, NM_001379649.1); c.4480G>T, p.Ala1494Ser (NM_001330289.2); c.4528G>T, p.Ala1510Ser (NM_001330290.2, NM_001379648.1); c.4804G>T, p.Ala1602Ser (NM_001379631.1); c.4705G>T, p.Ala1569Ser (NM_001379632.1); c.4702G>T, p.Ala1568Ser (NM_001379633.1, NM_001379645.1); c.4555G>T, p.Ala1519Ser (NM_001379634.1); c.4552G>T, p.Ala1518Ser (NM_001379635.1, NM_001379646.1); and 7 more; short protein forms A1475S, A1476S, A1577S, A1493S, A1501S, A1514S, A1518S, A1519S.
Identifiers: ClinVar variation 2940394 (VCV002940394.3), dbSNP rs753798028, ClinGen allele CA2207338.